The following is an entry in ClinVar:

NM_015338.6(ASXL1):c.3470A>G (p.Lys1157Arg)

Gene: ASXL1 (ASXL transcriptional regulator 1; plus strand). Cytogenetic location: 20q11.21.
Variant type: single nucleotide variant.
Coding change: c.3470A>G on transcript NM_015338.6 (MANE Select); coding-DNA position 3470, A replaced by G.
Protein change: p.Lys1157Arg; replaces lysine 1157 with arginine.
Molecular consequence: missense variant.
Genome position (GRCh38, 1-based): chr20:32,436,182, A>G. VCF-style: chr20-32436182-A-G. GRCh37 (hg19) VCF-style: chr20-31023985-A-G.
Other names: c.3287A>G, p.Lys1096Arg (NM_001363734.1); short protein forms K1096R, K1157R.
Identifiers: ClinVar variation 3438044 (VCV003438044.1).

ClinVar aggregate classification (germline): Uncertain significance (1 of 4 stars; one submission).

Conditions:
Inborn genetic diseases. Identifiers: MedGen C0950123, MeSH D030342.

gnomAD v4.1: 2 of 1,614,126 alleles (0.00012%); highest among the groups gnomAD compares: Admixed American, 0.0017%; no homozygotes.

Submission:

Ambry Genetics
Classification: Uncertain significance for Inborn genetic diseases. Last evaluated: 2024-10-04. Review status: criteria provided, single submitter. Criteria: Ambry Variant Classification Scheme 2023. Collection method: clinical testing. Allele origin: germline.
Comment: The p.K1157R variant (also known as c.3470A>G), located in coding exon 13 of the ASXL1 gene, results from an A to G substitution at nucleotide position 3470. The lysine at codon 1157 is replaced by arginine, an amino acid with highly similar properties. This amino acid position is conserved. In addition, this alteration is predicted to be tolerated by in silico analysis. Based on the available evidence, the clinical significance of this variant remains unclear.